The following is an entry in ClinVar:

ClinVar aggregate classification (germline): Uncertain significance (1 of 4 stars; one submission).

Submission:

GeneDx
Classification: Uncertain significance. Last evaluated: 2016-05-19. Review status: criteria provided, single submitter. Criteria: GeneDx Variant Classification (06012015). Collection method: clinical testing. Allele origin: germline. Affected: yes.
Comment: The G545S variant in the CLCN4 gene has not been reported previously as a pathogenic variant, nor as a benign variant, to our knowledge. This variant was not observed in approximately 6500 individuals of European and African American ancestry in the NHLBI Exome Sequencing Project, indicating it is not a common benign variant in these populations. The G545S variant is a non-conservative amino acid substitution, which is likely to impact secondary protein structure as these residues differ in polarity, charge, size and/or other properties. This substitution occurs at a position that is conserved across species. In silico analysis is inconsistent in its predictions as to whether or not the variant is damaging to the protein structure/function. We interpret G545S as a variant of uncertain significance.

NM_001830.4(CLCN4):c.1633G>A (p.Gly545Ser)

Gene: CLCN4 (chloride voltage-gated channel 4; plus strand). Cytogenetic location: Xp22.2.
Variant type: single nucleotide variant.
Coding change: c.1633G>A on transcript NM_001830.4 (MANE Select); coding-DNA position 1633, G replaced by A.
Protein change: p.Gly545Ser; replaces glycine 545 with serine.
Molecular consequence: missense variant.
Genome position (GRCh38, 1-based): chrX:10,213,737, G>A. VCF-style: chrX-10213737-G-A. GRCh37 (hg19) VCF-style: chrX-10181777-G-A.
Other names: c.1351G>A, p.Gly451Ser (NM_001256944.2); short protein forms G545S, G451S.
Identifiers: ClinVar variation 421272 (VCV000421272.2), dbSNP rs1064795025, ClinGen allele CA16621166.
Genomic context (GRCh38, chrX:10,213,737, plus strand): 5'-GCAGGTGGAGTTACCAGGATGACGGTGTCATTGGTGGTCATCATGTTTGAATTAACCGGG[G>A]GTCTGGAGTACATCGTGCCCCTGATGGCGGCGGCTGTGACCAGCAAGTGGGTAGCTGATG-3'
Protein context (NP_001821.2, residues 535-555): LVVIMFELTG[Gly545Ser]LEYIVPLMAA